The following is an entry in ClinVar:

NM_016379.4(VCX3A):c.*8G>A

Genes: VCX3A (variable charge X-linked 3A; minus strand), LOC106029240 (S232-VCX3A recombination region; plus strand). Cytogenetic location: Xp22.31.
Variant type: single nucleotide variant.
Coding change: c.*8G>A on transcript NM_016379.4 (MANE Select); 8 bases downstream of the stop codon, G replaced by A.
Molecular consequence: 3 prime UTR variant.
Genome position (GRCh38, 1-based): chrX:6,533,737, C>T on the plus strand (G>A on the coding strand, the complement: VCX3A is on the minus strand). VCF-style: chrX-6533737-C-T. GRCh37 (hg19) VCF-style: chrX-6451778-C-T.
Identifiers: ClinVar variation 3058916 (VCV003058916.2), dbSNP rs1058244, ClinGen allele CA10341396.

ClinVar aggregate classification (germline): Likely benign (0 of 4 stars; one submission).

Conditions:
VCX3A-related disorder. Also called: VCX3A-related condition.

Allele frequency attached by ClinVar (database versions not stated): gnomAD 0.01806.
gnomAD v4.1: 5,553 of 955,576 alleles (0.58%); highest among the groups gnomAD compares: African/African-American, 2.8%; 111 homozygotes.

Submission:

PreventionGenetics, part of Exact Sciences
Classification: Likely benign for VCX3A-related condition. Last evaluated: 2023-04-10. Review status: no assertion criteria provided. Collection method: clinical testing. Allele origin: germline.
Comment: This variant is classified as likely benign based on ACMG/AMP sequence variant interpretation guidelines (Richards et al. 2015 PMID: 25741868, with internal and published modifications).